The following is an entry in ClinVar:

NM_020461.4(TUBGCP6):c.4199G>A (p.Arg1400His)

Gene: TUBGCP6 (tubulin gamma complex component 6; minus strand). Cytogenetic location: 22q13.33.
Variant type: single nucleotide variant.
Coding change: c.4199G>A on transcript NM_020461.4 (MANE Select); coding-DNA position 4199, G replaced by A.
Protein change: p.Arg1400His; replaces arginine 1400 with histidine.
Molecular consequence: missense variant.
Genome position (GRCh38, 1-based): chr22:50,219,760, C>T on the plus strand (G>A on the coding strand, the complement: TUBGCP6 is on the minus strand). VCF-style: chr22-50219760-C-T. GRCh37 (hg19) VCF-style: chr22-50658189-C-T.
Other names: c.4199G>A (NM_020461.3); short protein forms R1400H.
Identifiers: ClinVar variation 1371898 (VCV001371898.9), dbSNP rs745344235, ClinGen allele CA10307627.

ClinVar aggregate classification (germline): Uncertain significance. Review status: criteria provided, multiple submitters, no conflicts (2 of 4 stars). 3 submissions from 3 submitters: Uncertain significance (2). 1 of the submissions does not count toward it. Last evaluated 2023-04-03.

Conditions:
Optic atrophy. Identifiers: MedGen C0029124, MONDO:0003608, HP:0000648.
Inborn genetic diseases. Identifiers: MedGen C0950123, MeSH D030342.

Allele frequency attached by ClinVar (database versions not stated): TOPMed below 0.00001; ExAC 0.00001; gnomAD exomes 0.00001.
gnomAD v4.1: 21 of 1,613,750 alleles (0.0013%); highest among the groups gnomAD compares: East Asian, 0.0022%; no homozygotes.

Submissions (3):

Ambry Genetics
Classification: Uncertain significance for Inborn genetic diseases. Last evaluated: 2023-04-03. Review status: criteria provided, single submitter. Criteria: Ambry Variant Classification Scheme 2023. Collection method: clinical testing. Allele origin: germline.

Labcorp Genetics (formerly Invitae), Labcorp
Classification: Uncertain significance. Last evaluated: 2022-10-05. Review status: criteria provided, single submitter. Criteria: Invitae Variant Classification Sherloc (09022015). Collection method: clinical testing. Allele origin: germline.
Comment: In summary, the available evidence is currently insufficient to determine the role of this variant in disease. Therefore, it has been classified as a Variant of Uncertain Significance. Algorithms developed to predict the effect of missense changes on protein structure and function (SIFT, PolyPhen-2, Align-GVGD) all suggest that this variant is likely to be tolerated. ClinVar contains an entry for this variant (Variation ID: 1371898). This variant has not been reported in the literature in individuals affected with TUBGCP6-related conditions. This variant is present in population databases (rs745344235, gnomAD 0.002%). This sequence change replaces arginine, which is basic and polar, with histidine, which is basic and polar, at codon 1400 of the TUBGCP6 protein (p.Arg1400His).

Institute of Human Genetics, Univ. Regensburg, Univ. Regensburg
Classification: Uncertain significance for Optic atrophy. Last evaluated: 2022-01-01. Review status: no assertion criteria provided. Criteria: ACMG Guidelines, 2015. Collection method: clinical testing. Allele origin: germline. Affected: yes. Not counted in ClinVar's aggregate classification.